The following is an entry in ClinVar:

ClinVar aggregate classification (germline): Benign/Likely benign. Review status: criteria provided, multiple submitters, no conflicts (2 of 4 stars). 17 submissions from 17 submitters: Benign (8); Likely benign (5). 4 of the submissions do not count toward it. Last evaluated 2026-02-03.

Conditions:
Breast-ovarian cancer, familial, susceptibility to, 5 (BROVCA5). Identifiers: MedGen C5830615, MONDO:0957530, OMIM 620442.
Hereditary cancer-predisposing syndrome. Also called: Hereditary neoplastic syndrome; Tumor predisposition; Neoplastic Syndromes, Hereditary; Hereditary Cancer Syndrome. Identifiers: Orphanet 140162, MedGen C0027672, MeSH D009386, MONDO:0015356.
Familial cancer of breast. Also called: hereditary breast carcinoma; Hereditary breast cancer; BREAST CANCER, FAMILIAL. Identifiers: Orphanet 227535, MedGen C0346153, MONDO:0016419, OMIM 114480. Disease mechanism: loss of function.

Allele frequency attached by ClinVar (database versions not stated): gnomAD exomes 0.00016 and 0.00039; ExAC 0.00043; gnomAD 0.00184 and 0.00193; ESP Exome Variant Server 0.00185; 1000 Genomes Project 0.00200; TOPMed 0.00204; 1000 Genomes Project 30x 0.00265.
gnomAD v4.1: 511 of 1,614,196 alleles (0.032%); highest among the groups gnomAD compares: African/African-American, 0.63%; no homozygotes.

Submissions (17):

Labcorp Genetics (formerly Invitae), Labcorp
Classification: Benign for Familial cancer of breast. Last evaluated: 2026-02-03. Review status: criteria provided, single submitter. Criteria: Invitae Variant Classification Sherloc (09022015). Collection method: clinical testing. Allele origin: germline.

Center for Genomic Medicine, Rigshospitalet, Copenhagen University Hospital
Classification: Likely benign. Last evaluated: 2025-03-04. Review status: criteria provided, single submitter. Criteria: ACMG Guidelines, 2015. Collection method: clinical testing. Allele origin: germline.

Myriad Genetics, Inc.
Classification: Benign for Familial cancer of breast. Last evaluated: 2025-01-15. Review status: criteria provided, single submitter. Criteria: Myriad Autosomal Dominant, Autosomal Recessive and X-Linked Classification Criteria (2023). Collection method: clinical testing. Allele origin: unknown.
Comment: This variant is considered benign. This variant is a silent/synonymous amino acid change and it is not expected to impact splicing.

Department of Pathology and Laboratory Medicine, Sinai Health System
Classification: Likely benign for Breast-ovarian cancer, familial, susceptibility to, 5. Last evaluated: 2024-05-13. Review status: criteria provided, single submitter. Criteria: ACMG Guidelines, 2015. Collection method: clinical testing. Allele origin: germline. Affected: yes.

Blueprint Genetics
Classification: Likely benign. Last evaluated: 2023-08-14. Review status: criteria provided, single submitter. Criteria: ACMG Guidelines, 2015. Collection method: clinical testing. Allele origin: germline.

Quest Diagnostics Nichols Institute San Juan Capistrano
Classification: Benign. Last evaluated: 2022-07-28. Review status: criteria provided, single submitter. Criteria: Quest Diagnostics criteria. Collection method: clinical testing. Allele origin: unknown.

Sema4
Classification: Benign for Hereditary cancer-predisposing syndrome. Last evaluated: 2020-12-28. Review status: criteria provided, single submitter. Criteria: Sema4 Curation Guidelines. Collection method: curation. Allele origin: germline.

Genetic Services Laboratory, University of Chicago
Classification: Benign. Last evaluated: 2019-08-15. Review status: criteria provided, single submitter. Criteria: ACMG Guidelines, 2015. Collection method: clinical testing. Allele origin: germline. Affected: no.

Ambry Genetics
Classification: Likely benign for Hereditary cancer-predisposing syndrome. Last evaluated: 2018-07-10. Review status: criteria provided, single submitter. Criteria: Ambry Variant Classification Scheme 2023. Collection method: clinical testing. Allele origin: germline.

PreventionGenetics, part of Exact Sciences
Classification: Benign. Last evaluated: 2017-09-27. Review status: criteria provided, single submitter. Criteria: ACMG Guidelines, 2015. Collection method: clinical testing. Allele origin: germline.

Institute for Biomarker Research, Medical Diagnostic Laboratories, L.L.C.
Classification: Likely benign for Hereditary cancer-predisposing syndrome. Last evaluated: 2017-07-12. Review status: criteria provided, single submitter. Criteria: ACMG Guidelines, 2015. Collection method: clinical testing. Allele origin: germline.

Color Diagnostics, LLC DBA Color Health
Classification: Benign for Hereditary cancer-predisposing syndrome. Last evaluated: 2015-10-01. Review status: criteria provided, single submitter. Criteria: ACMG Guidelines, 2015. Collection method: clinical testing. Allele origin: germline.

GeneDx
Classification: Benign. Last evaluated: 2014-02-12. Review status: criteria provided, single submitter. Criteria: GeneDx Variant Classification (06012015). Collection method: clinical testing. Allele origin: germline. Affected: yes.
Comment: This variant is considered likely benign or benign based on one or more of the following criteria: it is a conservative change, it occurs at a poorly conserved position in the protein, it is predicted to be benign by multiple in silico algorithms, and/or has population frequency not consistent with disease.

Leiden Open Variation Database
Classification: Likely benign for Familial cancer of breast. Last evaluated: 2019-05-13. Review status: no assertion criteria provided. Collection method: curation. Allele origin: germline. Affected: yes. Not counted in ClinVar's aggregate classification.
Comment: Curators: Marc Tischkowitz, Arleen D. Auerbach. Submitter to LOVD: Marc Tischkowitz.

Clinical Genetics Laboratory, Department of Pathology, Netherlands Cancer Institute
Classification: Likely benign. Review status: no assertion criteria provided. Collection method: clinical testing. Allele origin: germline. Affected: yes. Study: VKGL Data-share Consensus. Not counted in ClinVar's aggregate classification.

Genome Diagnostics Laboratory, Amsterdam University Medical Center
Classification: Benign. Review status: no assertion criteria provided. Collection method: clinical testing. Allele origin: germline. Affected: yes. Study: VKGL Data-share Consensus. Not counted in ClinVar's aggregate classification.

Joint Genome Diagnostic Labs from Nijmegen and Maastricht, Radboudumc and MUMC+
Classification: Likely benign. Review status: no assertion criteria provided. Collection method: clinical testing. Allele origin: germline. Affected: yes. Study: VKGL Data-share Consensus. Not counted in ClinVar's aggregate classification.

Literature cited by the submitters: PubMed 18288683 (cited by 3 submitters); PubMed 21113654 (cited by 3 submitters); PubMed 21285249 (cited by 3 submitters); PubMed 21932393 (cited by 3 submitters).

NM_024675.4(PALB2):c.2256A>G (p.Gly752=)

Gene: PALB2 (partner and localizer of BRCA2; minus strand). Cytogenetic location: 16p12.2.
Variant type: single nucleotide variant.
Coding change: c.2256A>G on transcript NM_024675.4 (MANE Select); coding-DNA position 2256, A replaced by G.
Protein change: p.Gly752=; no amino-acid change (glycine 752 retained).
Molecular consequence: synonymous variant.
Genome position (GRCh38, 1-based): chr16:23,629,898, T>C on the plus strand (A>G on the coding strand, the complement: PALB2 is on the minus strand). VCF-style: chr16-23629898-T-C. GRCh37 (hg19) VCF-style: chr16-23641219-T-C.
Other names: p.G752G:GGA>GGG.
Identifiers: ClinVar variation 126642 (VCV000126642.43), dbSNP rs147120218, ClinGen allele CA294192.